The following is an entry in ClinVar:

ClinVar aggregate classification (germline): Pathogenic/Likely pathogenic. Review status: criteria provided, multiple submitters, no conflicts (2 of 4 stars). 9 submissions from 9 submitters: Pathogenic (6); Likely pathogenic (2). 1 of the submissions does not count toward it. Last evaluated 2025-09-10.

Conditions:
Hereditary cancer-predisposing syndrome. Also called: Neoplastic Syndromes, Hereditary; Hereditary Cancer Syndrome; Tumor predisposition; Hereditary neoplastic syndrome. Identifiers: Orphanet 140162, MedGen C0027672, MeSH D009386, MONDO:0015356.
Familial cancer of breast. Also called: BREAST CANCER, FAMILIAL; Hereditary breast cancer; hereditary breast carcinoma. Identifiers: Orphanet 227535, MedGen C0346153, MONDO:0016419, OMIM 114480. Disease mechanism: loss of function.
Ataxia-telangiectasia syndrome (AT). Also called: LOUIS-BAR SYNDROME; Ataxia-telangiectasia, complementation group E; Ataxia-telangiectasia, complementation group D; AT, COMPLEMENTATION GROUP C; ATAXIA-TELANGIECTASIA, COMPLEMENTATION GROUP A; ATAXIA-TELANGIECTASIA, FRESNO VARIANT. Identifiers: Orphanet 100, MedGen C0004135, MONDO:0008840, OMIM 208900.

Submissions (9):

Natera, Inc.
Classification: Pathogenic for Ataxia-telangiectasia. Last evaluated: 2025-09-10. Review status: criteria provided, single submitter. Criteria: Natera Variant Classification Schema (03/2026). Collection method: clinical testing. Allele origin: germline.
Comment: The c.4358_4359del variant in ATM is a frameshift variant predicted to shift the reading frame beginning at codon 1453 and leads to a stop codon 37 codons downstream. This variant is expected to result in nonsense mediated decay, truncation, or a dysfunctional protein product. This variant is rare in the general population with a frequency below the threshold expected for the associated phenotype(s). This variant has been observed in one or more individuals affected with the associated recessive disease, as either homozygous or compound heterozygous with a second variant (PMID: 39521281). Given the available evidence, this variant is classified as Pathogenic.

Ambry Genetics
Classification: Pathogenic for Hereditary cancer-predisposing syndrome. Last evaluated: 2025-04-28. Review status: criteria provided, single submitter. Criteria: Ambry Variant Classification Scheme 2023. Collection method: clinical testing. Allele origin: germline.
Comment: The c.4358_4359delTA pathogenic mutation, located in coding exon 28 of the ATM gene, results from a deletion of two nucleotides at nucleotide positions 4358 to 4359, causing a translational frameshift with a predicted alternate stop codon (p.I1453Kfs*37). This alteration was identified in an individual diagnosed with ataxia telangiectasia (Birrell GW et al. Hum Mutat, 2005 Jun;25:593). Of note, this alteration is also designated as c.4355_4356delAT in published literature. This variant is considered to be rare based on population cohorts in the Genome Aggregation Database (gnomAD). In addition to the clinical data presented in the literature, this alteration is expected to result in loss of function by premature protein truncation or nonsense-mediated mRNA decay. As such, this alteration is interpreted as a disease-causing mutation.

Greenwood Genetic Center Diagnostic Laboratories, Greenwood Genetic Center
Classification: Likely pathogenic for Familial cancer of breast. Last evaluated: 2025-03-17. Review status: criteria provided, single submitter. Criteria: ACMG Guidelines, 2015. Collection method: clinical testing. Allele origin: germline.
Comment: PVS1, PM2

Hereditary Cancer Laboratory, Hospital Universitario 12 de Octubre
Classification: Pathogenic for Hereditary cancer-predisposing syndrome. Last evaluated: 2024-11-05. Review status: criteria provided, single submitter. Criteria: ACMG Guidelines, 2015. Collection method: clinical testing. Allele origin: germline.
Comment: PVS1 + PM2 + PP3

Labcorp Genetics (formerly Invitae), Labcorp
Classification: Pathogenic for Ataxia-telangiectasia syndrome. Last evaluated: 2024-09-11. Review status: criteria provided, single submitter. Criteria: Invitae Variant Classification Sherloc (09022015). Collection method: clinical testing. Allele origin: germline.
Comment: This sequence change creates a premature translational stop signal (p.Ile1453Lysfs*37) in the ATM gene. It is expected to result in an absent or disrupted protein product. Loss-of-function variants in ATM are known to be pathogenic (PMID: 23807571, 25614872). This variant is not present in population databases (gnomAD no frequency). This premature translational stop signal has been observed in individual(s) with ataxia-telangiectasia (A-T) (PMID: 15880721). This variant is also known as c.4355_4356delAT. ClinVar contains an entry for this variant (Variation ID: 551030). For these reasons, this variant has been classified as Pathogenic.

Myriad Genetics, Inc.
Classification: Pathogenic for Familial cancer of breast. Last evaluated: 2024-01-24. Review status: criteria provided, single submitter. Criteria: Myriad Autosomal Dominant, Autosomal Recessive and X-Linked Classification Criteria (2023). Collection method: clinical testing. Allele origin: unknown.
Comment: This variant is considered pathogenic. This variant creates a frameshift predicted to result in premature protein truncation.

Baylor Genetics
Classification: Pathogenic for Familial cancer of breast. Last evaluated: 2023-09-11. Review status: criteria provided, single submitter. Criteria: ACMG Guidelines, 2015. Collection method: clinical testing. Allele origin: unknown.

Women's Health and Genetics/Laboratory Corporation of America, LabCorp
Classification: Likely pathogenic for Ataxia-telangiectasia syndrome. Last evaluated: 2023-02-03. Review status: criteria provided, single submitter. Criteria: LabCorp Variant Classification Summary - May 2015. Collection method: clinical testing. Allele origin: germline.
Comment: Variant summary: ATM c.4358_4359delTA (p.Ile1453LysfsX37) results in a premature termination codon, predicted to cause a truncation of the encoded protein or absence of the protein due to nonsense mediated decay, which are commonly known mechanisms for disease. Truncations downstream of this position have been classified as pathogenic by our laboratory. The variant was absent in 251162 control chromosomes. c.4358_4359delTA has been reported in the literature in an individual affected with Ataxia-Telangiectasia (Birrell_2005). To our knowledge, no experimental evidence demonstrating an impact on protein function has been reported. Three clinical diagnostic laboratories have submitted clinical-significance assessments for this variant to ClinVar after 2014 without evidence for independent evaluation. All laboratories classified the variant as pathogenic (n=2) and likely pathogenic (n=1). Based on the evidence outlined above, the variant was classified as likely pathogenic.

Counsyl
Classification: Likely pathogenic for Ataxia-telangiectasia syndrome. Last evaluated: 2017-03-10. Review status: no assertion criteria provided. Collection method: clinical testing. Allele origin: unknown. Not counted in ClinVar's aggregate classification.

Literature cited by the submitters: PubMed 39521281 (cited by Natera, Inc.); PubMed 15880721 (cited by 4 submitters); PubMed 23807571 (cited by Labcorp Genetics (formerly Invitae), Labcorp); PubMed 25614872 (cited by Labcorp Genetics (formerly Invitae), Labcorp).

NM_000051.4(ATM):c.4358_4359del (p.Ile1453fs)

Gene: ATM (ATM serine/threonine kinase; plus strand). Cytogenetic location: 11q22.3.
Variant type: Microsatellite.
Coding change: c.4358_4359del on transcript NM_000051.4 (MANE Select); coding-DNA positions 4358 to 4359, 2 bases deleted (TA; older notation c.4358_4359delTA).
Protein change: p.Ile1453fs; shifts the reading frame from isoleucine 1453.
Molecular consequence: frameshift variant.
Genome position (GRCh38, 1-based): chr11:108,289,723-108,289,724, TA deleted; deleting any 2 consecutive bases within chr11:108,289,720-108,289,724 gives the same sequence; the c. name uses the placement nearest the transcript's 3' end. VCF-style (leftmost placement, unchanged base first): chr11-108289719-GAT-G. GRCh37 (hg19) VCF-style: chr11-108160446-GAT-G.
Other names: c.4358_4359del, p.Ile1453fs (NM_001351834.2); c.4358_4359delTA (NM_000051.3); short protein forms I1453fs.
Identifiers: ClinVar variation 551030 (VCV000551030.17), dbSNP rs1555097650, ClinGen allele CA658822199.